The following is an entry in ClinVar:

ClinVar aggregate classification (germline): Pathogenic (1 of 4 stars; one submission).

Submission:

Labcorp Genetics (formerly Invitae), Labcorp
Classification: Pathogenic. Last evaluated: 2022-07-24. Review status: criteria provided, single submitter. Criteria: Invitae Variant Classification Sherloc (09022015). Collection method: clinical testing. Allele origin: germline.
Comment: ClinVar contains an entry for this variant (Variation ID: 1387690). For these reasons, this variant has been classified as Pathogenic. This variant has not been reported in the literature in individuals affected with SMARCD2-related conditions. This variant is not present in population databases (gnomAD no frequency). This sequence change creates a premature translational stop signal (p.Thr443Leufs*7) in the SMARCD2 gene. It is expected to result in an absent or disrupted protein product. Loss-of-function variants in SMARCD2 are known to be pathogenic (PMID: 28369036).

Literature cited by the submitters: PubMed 28369036.

NM_001098426.2(SMARCD2):c.1326_1329del (p.Thr443fs)

Gene: SMARCD2 (SWI/SNF related BAF chromatin remodeling complex subunit D2; minus strand). Cytogenetic location: 17q23.3.
Variant type: Deletion.
Coding change: c.1326_1329del on transcript NM_001098426.2 (MANE Select); coding-DNA positions 1326 to 1329, 4 bases deleted (GACC; older notation c.1326_1329delGACC).
Protein change: p.Thr443fs; shifts the reading frame from threonine 443.
Molecular consequence: frameshift variant.
Genome position (GRCh38, 1-based): chr17:63,833,409-63,833,412, GGTC deleted on the plus strand (GACC on the coding strand, the reverse complement: SMARCD2 is on the minus strand). VCF-style (leftmost placement, unchanged base first): chr17-63833408-TGGTC-T. GRCh37 (hg19) VCF-style: chr17-61910768-TGGTC-T.
Other names: c.1101_1104del, p.Thr368fs (NM_001330439.1); c.1182_1185del, p.Thr395fs (NM_001330440.2); short protein forms T443fs, T368fs, T395fs.
Identifiers: ClinVar variation 1387690 (VCV001387690.6), dbSNP rs2144625404, ClinGen allele CA2573154585.